The following is an entry in ClinVar:

ClinVar aggregate classification (germline): Uncertain significance (1 of 4 stars; one submission).

Submission:

Labcorp Genetics (formerly Invitae), Labcorp
Classification: Uncertain significance. Last evaluated: 2025-06-03. Review status: criteria provided, single submitter. Criteria: Invitae Variant Classification Sherloc (09022015). Collection method: clinical testing. Allele origin: germline.
Comment: This sequence change replaces lysine, which is basic and polar, with arginine, which is basic and polar, at codon 184 of the LRRC8A protein (p.Lys184Arg). This variant is not present in population databases (gnomAD no frequency). This variant has not been reported in the literature in individuals affected with LRRC8A-related conditions. An algorithm developed to predict the effect of missense changes on protein structure and function (PolyPhen-2) suggests that this variant is likely to be disruptive. In summary, the available evidence is currently insufficient to determine the role of this variant in disease. Therefore, it has been classified as a Variant of Uncertain Significance.

NM_019594.4(LRRC8A):c.551A>G (p.Lys184Arg)

Gene: LRRC8A (leucine rich repeat containing 8 VRAC subunit A; plus strand). Cytogenetic location: 9q34.11.
Variant type: single nucleotide variant.
Coding change: c.551A>G on transcript NM_019594.4 (MANE Select); coding-DNA position 551, A replaced by G.
Protein change: p.Lys184Arg; replaces lysine 184 with arginine.
Molecular consequence: missense variant.
Genome position (GRCh38, 1-based): chr9:128,907,715, A>G. VCF-style: chr9-128907715-A-G. GRCh37 (hg19) VCF-style: chr9-131669994-A-G.
Other names: c.551A>G, p.Lys184Arg (NM_001127244.2, NM_001127245.2); short protein forms K184R.
Identifiers: ClinVar variation 4720693 (VCV004720693.1).